The following is an entry in ClinVar:

NM_005413.4(SIX3):c.720G>T (p.Ala240=)

Gene: SIX3 (SIX homeobox 3; plus strand). Cytogenetic location: 2p21.
Variant type: single nucleotide variant.
Coding change: c.720G>T on transcript NM_005413.4 (MANE Select); coding-DNA position 720, G replaced by T.
Protein change: p.Ala240=; no amino-acid change (alanine 240 retained).
Molecular consequence: synonymous variant.
Genome position (GRCh38, 1-based): chr2:44,942,824, G>T. VCF-style: chr2-44942824-G-T. GRCh37 (hg19) VCF-style: chr2-45169963-G-T.
Identifiers: ClinVar variation 259762 (VCV000259762.24), dbSNP rs191012035, ClinGen allele CA1642363.

ClinVar aggregate classification (germline): Benign/Likely benign. Review status: criteria provided, multiple submitters, no conflicts (2 of 4 stars). 7 submissions from 7 submitters: Benign (2); Likely benign (5). Last evaluated 2026-04-01.

Conditions:
Holoprosencephaly 2 (HPE2). Identifiers: Orphanet 2162, MedGen C1834877, MONDO:0007999, OMIM 157170.

Allele frequency attached by ClinVar (database versions not stated): 1000 Genomes Project 30x 0.00078; 1000 Genomes Project 0.00100; TOPMed 0.00114; ESP Exome Variant Server 0.00136; ExAC 0.00150; gnomAD exomes 0.00151; gnomAD 0.00180 and 0.00185.
gnomAD v4.1: 2,843 of 1,599,534 alleles (0.18%); highest among the groups gnomAD compares: Middle Eastern, 0.2%; 4 homozygotes.

Submissions (7):

CeGaT Center for Human Genetics Tuebingen
Classification: Likely benign. Last evaluated: 2026-04-01. Review status: criteria provided, single submitter. Criteria: CeGaT Center For Human Genetics Tuebingen Variant Classification Criteria Version 2. Collection method: clinical testing. Allele origin: germline. Affected: yes. Observed: 1 variant allele.
Comment: SIX3: BP4, BP7, BS1

Labcorp Genetics (formerly Invitae), Labcorp
Classification: Benign for Holoprosencephaly 2. Last evaluated: 2026-01-19. Review status: criteria provided, single submitter. Criteria: Invitae Variant Classification Sherloc (09022015). Collection method: clinical testing. Allele origin: germline.

Blueprint Genetics
Classification: Likely benign. Last evaluated: 2024-11-22. Review status: criteria provided, single submitter. Criteria: ACMG Guidelines, 2015. Collection method: clinical testing. Allele origin: germline.

Eurofins Ntd Llc (ga)
Classification: Likely benign. Last evaluated: 2016-06-09. Review status: criteria provided, single submitter. Criteria: EGL Classification Definitions 2015. Collection method: clinical testing. Allele origin: germline. Observed: 1 variant allele, 1 heterozygote.

GeneDx
Classification: Benign. Last evaluated: 2015-03-03. Review status: criteria provided, single submitter. Criteria: GeneDx Variant Classification Process June 2021. Collection method: clinical testing. Allele origin: germline. Affected: yes.

Breakthrough Genomics
Classification: Likely benign. Review status: criteria provided, single submitter. Criteria: ACMG Guidelines, 2015. Collection method: not provided. Allele origin: germline. Inheritance: Autosomal dominant inheritance. Affected: yes.

PreventionGenetics, part of Exact Sciences
Classification: Likely benign. Review status: criteria provided, single submitter. Criteria: ACMG Guidelines, 2015. Collection method: clinical testing. Allele origin: germline.